The following is an entry in ClinVar:

NM_001365276.2(TNXB):c.9333C>T (p.Asp3111=)

Gene: TNXB (tenascin XB; minus strand). Cytogenetic location: 6p21.33.
Variant type: single nucleotide variant.
Coding change: c.9333C>T on transcript NM_001365276.2 (MANE Select); coding-DNA position 9333, C replaced by T.
Protein change: p.Asp3111=; no amino-acid change (aspartic acid 3111 retained).
Molecular consequence: synonymous variant.
Genome position (GRCh38, 1-based): chr6:32,050,104, G>A on the plus strand (C>T on the coding strand, the complement: TNXB is on the minus strand). VCF-style: chr6-32050104-G-A. GRCh37 (hg19) VCF-style: chr6-32017881-G-A.
Other names: p.Asp3109=; c.9327C>T, p.Asp3109= (NM_019105.8).
Identifiers: ClinVar variation 1187828 (VCV001187828.16), dbSNP rs201708930, ClinGen allele CA3733558.

ClinVar aggregate classification (germline): Conflicting classifications of pathogenicity. Review status: criteria provided, conflicting classifications (1 of 4 stars). 10 submissions from 10 submitters: Uncertain significance (1); Likely benign (8). 1 of the submissions does not count toward it. Last evaluated 2026-05-01.

Conditions:
TNXB-related disorder. Also called: TNXB-related condition.
Cardiovascular phenotype. Identifiers: MedGen CN230736.
Ehlers-Danlos syndrome (EDS). Identifiers: Orphanet 98249, MedGen C0013720, MONDO:0020066.

Allele frequency attached by ClinVar (database versions not stated): ESP Exome Variant Server 0.00041; gnomAD 0.00042 and 0.00048; TOPMed 0.00046; gnomAD exomes 0.00051; ExAC 0.00056.
gnomAD v4.1: 789 of 1,613,728 alleles (0.049%); highest among the groups gnomAD compares: Middle Eastern, 0.89%; 6 homozygotes.

Submissions (10):

CeGaT Center for Human Genetics Tuebingen
Classification: Likely benign. Last evaluated: 2026-05-01. Review status: criteria provided, single submitter. Criteria: CeGaT Center For Human Genetics Tuebingen Variant Classification Criteria Version 2. Collection method: clinical testing. Allele origin: germline. Affected: yes. Observed: 2 variant alleles.
Comment: TNXB: BP4, BP7

Labcorp Genetics (formerly Invitae), Labcorp
Classification: Likely benign. Last evaluated: 2026-01-21. Review status: criteria provided, single submitter. Criteria: Invitae Variant Classification Sherloc (09022015). Collection method: clinical testing. Allele origin: germline.

Women's Health and Genetics/Laboratory Corporation of America, LabCorp
Classification: Likely benign. Last evaluated: 2025-03-18. Review status: criteria provided, single submitter. Criteria: LabCorp Variant Classification Summary - May 2015. Collection method: clinical testing. Allele origin: germline.

Mayo Clinic Laboratories, Mayo Clinic
Classification: Likely benign. Last evaluated: 2025-01-02. Review status: criteria provided, single submitter. Criteria: ACMG Guidelines, 2015. Collection method: clinical testing. Allele origin: germline. Observed: 4 variant alleles.
Comment: BS1, BP4, BP7

Blueprint Genetics
Classification: Likely benign. Last evaluated: 2024-11-22. Review status: criteria provided, single submitter. Criteria: ACMG Guidelines, 2015. Collection method: clinical testing. Allele origin: germline.

Genome Diagnostics Laboratory, The Hospital for Sick Children
Classification: Uncertain significance for Ehlers-Danlos syndrome. Last evaluated: 2021-11-15. Review status: criteria provided, single submitter. Criteria: ACMG Guidelines, 2015. Collection method: clinical testing. Allele origin: germline.

GeneDx
Classification: Likely benign. Last evaluated: 2021-01-29. Review status: criteria provided, single submitter. Criteria: GeneDx Variant Classification Process June 2021. Collection method: clinical testing. Allele origin: germline. Affected: yes.

Ambry Genetics
Classification: Likely benign for Cardiovascular phenotype. Last evaluated: 2020-08-18. Review status: criteria provided, single submitter. Criteria: Ambry Variant Classification Scheme 2023. Collection method: clinical testing. Allele origin: germline.

Breakthrough Genomics
Classification: Likely benign. Review status: criteria provided, single submitter. Criteria: ACMG Guidelines, 2015. Collection method: not provided. Allele origin: germline. Inheritance: Autosomal recessive inheritance. Affected: yes.

PreventionGenetics, part of Exact Sciences
Classification: Likely benign for TNXB-related condition. Last evaluated: 2019-09-19. Review status: no assertion criteria provided. Collection method: clinical testing. Allele origin: germline. Not counted in ClinVar's aggregate classification.
Comment: This variant is classified as likely benign based on ACMG/AMP sequence variant interpretation guidelines (Richards et al. 2015 PMID: 25741868, with internal and published modifications).